The following is an entry in ClinVar:

NM_003235.5(TG):c.353C>T (p.Pro118Leu)

Gene: TG (thyroglobulin; plus strand). Cytogenetic location: 8q24.22.
Variant type: single nucleotide variant.
Coding change: c.353C>T on transcript NM_003235.5 (MANE Select); coding-DNA position 353, C replaced by T.
Protein change: p.Pro118Leu; replaces proline 118 with leucine.
Molecular consequence: missense variant.
Genome position (GRCh38, 1-based): chr8:132,871,426, C>T. VCF-style: chr8-132871426-C-T. GRCh37 (hg19) VCF-style: chr8-133883671-C-T.
Other names: short protein forms P118L.
Identifiers: ClinVar variation 910761 (VCV000910761.16), dbSNP rs114322847, ClinGen allele CA4882878.

ClinVar aggregate classification (germline): Conflicting classifications of pathogenicity. Review status: criteria provided, conflicting classifications (1 of 4 stars). 6 submissions from 6 submitters: Uncertain significance (2); Benign (2); Likely benign (2). Last evaluated 2026-09-01.

Conditions:
Iodotyrosyl coupling defect (TDH3). Also called: THYROID HORMONOGENESIS, GENETIC DEFECT IN, 3; HYPOTHYROIDISM, CONGENITAL, DUE TO DYSHORMONOGENESIS, 3. Identifiers: Orphanet 95716, MedGen C0342194, MONDO:0010135, OMIM 274700.

Allele frequency attached by ClinVar (database versions not stated): ESP Exome Variant Server 0.01692; gnomAD exomes 0.02195 and 0.01451; 1000 Genomes Project 30x 0.00578; 1000 Genomes Project 0.00579; TOPMed 0.01292; gnomAD 0.01381 and 0.01424; ExAC 0.01471.
gnomAD v4.1: 33,846 of 1,614,194 alleles (2.1%); highest among the groups gnomAD compares: Non-Finnish European, 2.5%; 443 homozygotes.

Submissions (6):

CeGaT Center for Human Genetics Tuebingen
Classification: Benign. Last evaluated: 2026-09-01. Review status: criteria provided, single submitter. Criteria: CeGaT Center For Human Genetics Tuebingen Variant Classification Criteria Version 2. Collection method: clinical testing. Allele origin: germline. Affected: yes. Observed: 5 variant alleles.
Comment: TG: BS1, BS2

Women's Health and Genetics/Laboratory Corporation of America, LabCorp
Classification: Likely benign. Last evaluated: 2026-05-11. Review status: criteria provided, single submitter. Criteria: LabCorp Variant Classification Summary - May 2015. Collection method: clinical testing. Allele origin: germline.

Labcorp Genetics (formerly Invitae), Labcorp
Classification: Benign. Last evaluated: 2026-02-02. Review status: criteria provided, single submitter. Criteria: Invitae Variant Classification Sherloc (09022015). Collection method: clinical testing. Allele origin: germline.

Blueprint Genetics
Classification: Likely benign. Last evaluated: 2024-11-27. Review status: criteria provided, single submitter. Criteria: ACMG Guidelines, 2015. Collection method: clinical testing. Allele origin: germline.

Illumina Laboratory Services, Illumina
Classification: Uncertain significance for Iodotyrosyl coupling defect. Last evaluated: 2018-01-13. Review status: criteria provided, single submitter. Criteria: ICSL Variant Classification Criteria 13 December 2019. Collection method: clinical testing. Allele origin: germline.

Breakthrough Genomics
Classification: Uncertain significance. Review status: criteria provided, single submitter. Criteria: ACMG Guidelines, 2015. Collection method: not provided. Allele origin: germline. Inheritance: Autosomal recessive inheritance. Affected: yes.